The following is an entry in ClinVar:

NM_000170.3(GLDC):c.2219C>G (p.Pro740Arg)

Gene: GLDC (glycine decarboxylase; minus strand). Cytogenetic location: 9p24.1.
Variant type: single nucleotide variant.
Coding change: c.2219C>G on transcript NM_000170.3 (MANE Select); coding-DNA position 2219, C replaced by G.
Protein change: p.Pro740Arg; replaces proline 740 with arginine.
Molecular consequence: missense variant.
Genome position (GRCh38, 1-based): chr9:6,554,765, G>C on the plus strand (C>G on the coding strand, the complement: GLDC is on the minus strand). VCF-style: chr9-6554765-G-C. GRCh37 (hg19) VCF-style: chr9-6554765-G-C.
Other names: short protein forms P740R.
Identifiers: ClinVar variation 1902669 (VCV001902669.4), dbSNP rs751798296, ClinGen allele CA372880394.

ClinVar aggregate classification (germline): Uncertain significance (1 of 4 stars; one submission).

Conditions:
Glycine encephalopathy. Also called: Non-ketotic hyperglycinemia; Nonketotic hyperglycinemia. Identifiers: Orphanet 407, MedGen C0751748, MONDO:0011612, HP:0008288.

Allele frequency attached by ClinVar (database versions not stated): gnomAD exomes below 0.00001.
gnomAD v4.1: 1 of 1,612,854 alleles (0.000062%); highest among the groups gnomAD compares: Admixed American, 0.0017%; no homozygotes.

Submission:

Labcorp Genetics (formerly Invitae), Labcorp
Classification: Uncertain significance for Glycine encephalopathy. Last evaluated: 2022-11-22. Review status: criteria provided, single submitter. Criteria: Invitae Variant Classification Sherloc (09022015). Collection method: clinical testing. Allele origin: germline.
Comment: In summary, the available evidence is currently insufficient to determine the role of this variant in disease. Therefore, it has been classified as a Variant of Uncertain Significance. Advanced modeling of protein sequence and biophysical properties (such as structural, functional, and spatial information, amino acid conservation, physicochemical variation, residue mobility, and thermodynamic stability) performed at Invitae indicates that this missense variant is expected to disrupt GLDC protein function. This variant has not been reported in the literature in individuals affected with GLDC-related conditions. This variant is present in population databases (no rsID available, gnomAD 0.003%). This sequence change replaces proline, which is neutral and non-polar, with arginine, which is basic and polar, at codon 740 of the GLDC protein (p.Pro740Arg).